The following is an entry in ClinVar:

NM_006218.4(PIK3CA):c.2198A>G (p.Lys733Arg)

Gene: PIK3CA (phosphatidylinositol-4,5-bisphosphate 3-kinase catalytic subunit alpha; plus strand). Cytogenetic location: 3q26.32.
Variant type: single nucleotide variant.
Coding change: c.2198A>G on transcript NM_006218.4 (MANE Select); coding-DNA position 2198, A replaced by G.
Protein change: p.Lys733Arg; replaces lysine 733 with arginine.
Molecular consequence: missense variant.
Genome position (GRCh38, 1-based): chr3:179,224,091, A>G. VCF-style: chr3-179224091-A-G. GRCh37 (hg19) VCF-style: chr3-178941879-A-G.
Other names: NM_006218.3(PIK3CA):c.2198A>G; p.Lys733Arg; c.2198A>G (LRG_310t1); short protein forms K733R.
Identifiers: ClinVar variation 456537 (VCV000456537.15), dbSNP rs181194055, ClinGen allele CA2710903.
Genomic context (GRCh38, chr3:179,224,091, plus strand): 5'-TCTTTTATTAAGTCAGTTTCTTACTGTGACTATCCTTTTTTTTTAATCAGGTACAGATGA[A>G]GTTTTTAGTTGAGCAAATGAGGCGACCAGATTTCATGGATGCTCTACAGGGCTTTCTGTC-3'
Protein context (NP_006209.2, residues 723-743): KKDETQKVQM[Lys733Arg]FLVEQMRRPD

ClinVar aggregate classification (germline): Benign. Review status: reviewed by expert panel (3 of 4 stars). 2 submissions from 2 submitters: Benign (1). 1 of the submissions does not count toward it. Last evaluated 2022-02-12.

Conditions:
Overgrowth syndrome and/or cerebral malformations due to abnormalities in MTOR pathway genes. Identifiers: MedGen CN300503, MONDO:0100283.
Cowden syndrome (CS). Also called: Cowden's disease; Cowden's syndrome; Cowden disease. Identifiers: Orphanet 201, MedGen C0018553, MONDO:0016063. Disease mechanism: gain of function.

Allele frequency attached by ClinVar (database versions not stated): gnomAD exomes 0.00007 and 0.00044; gnomAD 0.00011 and 0.00016; TOPMed 0.00017; ExAC 0.00044; 1000 Genomes Project 30x 0.00078; 1000 Genomes Project 0.00080.
gnomAD v4.1: 143 of 1,588,976 alleles (0.009%); highest among the groups gnomAD compares: East Asian, 0.26%; 2 homozygotes.

Submissions (2):

ClinGen Brain Malformations Variant Curation Expert Panel
Classification: Benign for Overgrowth syndrome and/or cerebral malformations due to abnormalities in MTOR pathway genes. Last evaluated: 2022-02-12. Review status: reviewed by expert panel. Criteria: ClinGen BrainMalform ACMG Specifications v1. Collection method: curation. Allele origin: germline. Inheritance: Autosomal dominant inheritance.
Comment: The c.2198A>G (NM_006218.4) variant in PIK3CA is a missense variant predicted to cause substitution of (p.Lys733Arg). The highest population minor allele frequency in gnomAD v2.1.1 is 0.005643 in the East Asian population, which is higher than the ClinGen BMEP threshold ([>=0.00185]) for BA1, and therefore meets this criterion (BA1). PIK3CA, in which the variant was identified, is defined by the ClinGen Brain Malformations Expert Panel as a gene that has a low rate of benign missense variation and where pathogenic missense variants are a common mechanism of disease (PP2). In summary, this variant meets the criteria to be classified as Benign for mosaic autosomal dominant overgrowth with or without cerebral malformations due to abnormalities in MTOR-pathway genes based on the ACMG/AMP criteria applied, as specified by the ClinGen Brain Malformations Expert Panel: BA1, PP2; -7 points (VCEP specifications version 1; Approved: 1/31/2021)

Labcorp Genetics (formerly Invitae), Labcorp
Classification: Benign for Cowden syndrome. Last evaluated: 2026-01-16. Review status: criteria provided, single submitter. Criteria: Invitae Variant Classification Sherloc (09022015). Collection method: clinical testing. Allele origin: germline. Not counted in ClinVar's aggregate classification.